The following is an entry in ClinVar:

NM_013319.3(UBIAD1):c.298T>G (p.Leu100Val)

Gene: UBIAD1 (UbiA prenyltransferase domain containing 1; plus strand). Cytogenetic location: 1p36.22.
Variant type: single nucleotide variant.
Coding change: c.298T>G on transcript NM_013319.3 (MANE Select); coding-DNA position 298, T replaced by G.
Protein change: p.Leu100Val; replaces leucine 100 with valine.
Molecular consequence: missense variant.
Genome position (GRCh38, 1-based): chr1:11,273,829, T>G. VCF-style: chr1-11273829-T-G. GRCh37 (hg19) VCF-style: chr1-11333886-T-G.
Other names: c.298T>G, p.Leu100Val (NM_001330349.2, NM_001330350.2); short protein forms L100V.
Identifiers: ClinVar variation 291822 (VCV000291822.9), dbSNP rs140612649, ClinGen allele CA591126.

ClinVar aggregate classification (germline): Benign/Likely benign. Review status: criteria provided, multiple submitters, no conflicts (2 of 4 stars). 2 submissions from 2 submitters: Benign (1); Likely benign (1). Last evaluated 2025-10-02.

Conditions:
Schnyder crystalline corneal dystrophy (SCCD). Also called: Crystalline corneal dystrophy; Schnyder corneal dystrophy. Identifiers: Orphanet 98967, MedGen C0271287, MONDO:0007374, OMIM 121800.

Allele frequency attached by ClinVar (database versions not stated): 1000 Genomes Project 30x 0.00016; ESP Exome Variant Server 0.00031; gnomAD 0.00035 and 0.00036; gnomAD exomes 0.00035 and 0.00026; TOPMed 0.00022; ExAC 0.00031; 1000 Genomes Project 0.00020.
gnomAD v4.1: 439 of 1,614,210 alleles (0.027%); highest among the groups gnomAD compares: Non-Finnish European, 0.027%; no homozygotes.

Submissions (2):

Labcorp Genetics (formerly Invitae), Labcorp
Classification: Likely benign. Last evaluated: 2025-10-02. Review status: criteria provided, single submitter. Criteria: Invitae Variant Classification Sherloc (09022015). Collection method: clinical testing. Allele origin: germline.

Illumina Laboratory Services, Illumina
Classification: Benign for Schnyder crystalline corneal dystrophy. Last evaluated: 2018-01-13. Review status: criteria provided, single submitter. Criteria: ICSL Variant Classification Criteria 13 December 2019. Collection method: clinical testing. Allele origin: germline.
Comment: This variant was observed in the ICSL laboratory as part of a predisposition screen in an ostensibly healthy population. It had not been previously curated by ICSL or reported in the Human Gene Mutation Database (HGMD: prior to June 1st, 2018), and was therefore a candidate for classification through an automated scoring system. Utilizing variant allele frequency, disease prevalence and penetrance estimates, and inheritance mode, an automated score was calculated to assess if this variant is too frequent to cause the disease. Based on the score and internal cut-off values, a variant classified as benign is not then subjected to further curation. The score for this variant resulted in a classification of benign for this disease.